The following is an entry in ClinVar:

ClinVar aggregate classification (germline): Uncertain significance (1 of 4 stars; one submission).

gnomAD v4.1: 33 of 1,613,186 alleles (0.002%); highest among the groups gnomAD compares: Non-Finnish European, 0.0025%; no homozygotes.

Submission:

GeneDx
Classification: Uncertain significance. Last evaluated: 2025-03-28. Review status: criteria provided, single submitter. Criteria: GeneDx Variant Classification Process June 2021. Collection method: clinical testing. Allele origin: germline. Affected: yes.
Comment: Nonsense variant predicted to result in protein truncation or nonsense mediated decay in a gene for which loss of function is a known mechanism of disease; Has not been previously published as pathogenic or benign to our knowledge

NM_001347886.2(DNAH3):c.11557C>T (p.Arg3853Ter)

Gene: DNAH3 (dynein axonemal heavy chain 3; minus strand). Cytogenetic location: 16p12.3.
Variant type: single nucleotide variant.
Coding change: c.11557C>T on transcript NM_001347886.2 (MANE Select); coding-DNA position 11557, C replaced by T.
Protein change: p.Arg3853Ter; replaces arginine 3853 with a stop codon.
Molecular consequence: nonsense.
Genome position (GRCh38, 1-based): chr16:20,936,813, G>A on the plus strand (C>T on the coding strand, the complement: DNAH3 is on the minus strand). VCF-style: chr16-20936813-G-A. GRCh37 (hg19) VCF-style: chr16-20948135-G-A.
Other names: c.11695C>T, p.Arg3899Ter (NM_017539.2); short protein forms R3853*, R3899*.
Identifiers: ClinVar variation 4087844 (VCV004087844.1).